The following is an entry in ClinVar:

NM_018896.5(CACNA1G):c.2454-12C>T

Gene: CACNA1G (calcium voltage-gated channel subunit alpha1 G; plus strand). Cytogenetic location: 17q21.33.
Variant type: single nucleotide variant.
Coding change: c.2454-12C>T on transcript NM_018896.5 (MANE Select); 12 bases into the intron before coding-DNA position 2454, C replaced by T.
Molecular consequence: intron variant.
Genome position (GRCh38, 1-based): chr17:50,591,423, C>T. VCF-style: chr17-50591423-C-T. GRCh37 (hg19) VCF-style: chr17-48668784-C-T.
Other names: c.2454-12C>T (NM_001256325.2, NM_198377.3, NM_198380.3 and 24 more transcripts).
Identifiers: ClinVar variation 518035 (VCV000518035.1), dbSNP rs1555657104, ClinGen allele CA656376044.
Genomic context (GRCh38, chr17:50,591,423, plus strand): 5'-TGAGTCCTCTCCGAGGGAGTAGGGGGAGAGGGTGAAGGTGCAGGGGGCTCAGGCTGCCTG[C>T]CCCCTTTGCAGCGTGTGGGAGATCGTGGGCCAGCAGGGGGGCGGCCTGTCGGTGCTGCGG-3'

ClinVar aggregate classification (germline): Likely benign (1 of 4 stars; one submission).

Allele frequency attached by ClinVar (database versions not stated): gnomAD exomes below 0.00001.
gnomAD v4.1: 1 of 1,537,810 alleles (0.000065%); highest among the groups gnomAD compares: Non-Finnish European, 0.000087%; no homozygotes.

Submission:

GeneDx
Classification: Likely benign. Last evaluated: 2017-06-26. Review status: criteria provided, single submitter. Criteria: GeneDx Variant Classification (06012015). Collection method: clinical testing. Allele origin: germline. Affected: yes.
Comment: This variant is considered likely benign or benign based on one or more of the following criteria: it is a conservative change, it occurs at a poorly conserved position in the protein, it is predicted to be benign by multiple in silico algorithms, and/or has population frequency not consistent with disease.